The following is an entry in ClinVar:

NM_004483.5(GCSH):c.293-6A>C

Gene: GCSH (glycine cleavage system protein H; minus strand). Cytogenetic location: 16q23.2.
Variant type: single nucleotide variant.
Coding change: c.293-6A>C on transcript NM_004483.5 (MANE Select); 6 bases into the intron before coding-DNA position 293, A replaced by C.
Molecular consequence: intron variant.
Genome position (GRCh38, 1-based): chr16:81,084,600, T>G on the plus strand (A>C on the coding strand, the complement: GCSH is on the minus strand). VCF-style: chr16-81084600-T-G. GRCh37 (hg19) VCF-style: chr16-81118205-T-G.
Identifiers: ClinVar variation 4056491 (VCV004056491.1).

ClinVar aggregate classification (germline): Uncertain significance (1 of 4 stars; one submission).

Conditions:
Multiple mitochondrial dysfunctions syndrome 7 (MMDS7). Identifiers: MedGen C5830586, MONDO:0957382, OMIM 620423.

Submission:

Laboratorio de Genetica e Diagnostico Molecular, Hospital Israelita Albert Einstein
Classification: Uncertain significance for Multiple mitochondrial dysfunctions syndrome 7. Last evaluated: 2025-04-11. Review status: criteria provided, single submitter. Criteria: ACMG Guidelines, 2015. Collection method: clinical testing. Allele origin: germline. Affected: yes.
Comment: ACMG classification criteria: PM2 supporting, BP4 supporting